The following is an entry in ClinVar:

NM_022916.6(VPS33A):c.1533C>G (p.Ile511Met)

Gene: VPS33A (VPS33A core subunit of CORVET and HOPS complexes; minus strand). Cytogenetic location: 12q24.31.
Variant type: single nucleotide variant.
Coding change: c.1533C>G on transcript NM_022916.6 (MANE Select); coding-DNA position 1533, C replaced by G.
Protein change: p.Ile511Met; replaces isoleucine 511 with methionine.
Molecular consequence: missense variant.
Genome position (GRCh38, 1-based): chr12:122,232,876, G>C on the plus strand (C>G on the coding strand, the complement: VPS33A is on the minus strand). VCF-style: chr12-122232876-G-C. GRCh37 (hg19) VCF-style: chr12-122717423-G-C.
Other names: c.1500C>G, p.Ile500Met (NM_001351018.2); c.1485C>G, p.Ile495Met (NM_001351019.2); c.1212C>G, p.Ile404Met (NM_001351020.2); c.1533C>G (NM_022916.4); short protein forms I495M, I404M, I500M, I511M.
Identifiers: ClinVar variation 2043870 (VCV002043870.5), dbSNP rs770725073, ClinGen allele CA6844282.

ClinVar aggregate classification (germline): Uncertain significance. Review status: criteria provided, multiple submitters, no conflicts (2 of 4 stars). 2 submissions from 2 submitters: Uncertain significance (2). Last evaluated 2025-02-14.

Allele frequency attached by ClinVar (database versions not stated): TOPMed below 0.00001; ExAC 0.00001; gnomAD 0.00001.

Submissions (2):

Ambry Genetics
Classification: Uncertain significance. Last evaluated: 2025-02-14. Review status: criteria provided, single submitter. Criteria: Ambry Variant Classification Scheme 2023. Collection method: clinical testing. Allele origin: germline.

Labcorp Genetics (formerly Invitae), Labcorp
Classification: Uncertain significance. Last evaluated: 2022-07-25. Review status: criteria provided, single submitter. Criteria: Invitae Variant Classification Sherloc (09022015). Collection method: clinical testing. Allele origin: germline.
Comment: This sequence change replaces isoleucine, which is neutral and non-polar, with methionine, which is neutral and non-polar, at codon 511 of the VPS33A protein (p.Ile511Met). In summary, the available evidence is currently insufficient to determine the role of this variant in disease. Therefore, it has been classified as a Variant of Uncertain Significance. Algorithms developed to predict the effect of missense changes on protein structure and function are either unavailable or do not agree on the potential impact of this missense change (SIFT: "Tolerated"; PolyPhen-2: "Possibly Damaging"; Align-GVGD: "Class C0"). This variant has not been reported in the literature in individuals affected with VPS33A-related conditions. This variant is present in population databases (rs770725073, gnomAD 0.002%).